The following is an entry in ClinVar:

NM_001283009.2(RTEL1):c.562G>C (p.Ala188Pro)

Genes: RTEL1 (regulator of telomere elongation helicase 1; plus strand), RTEL1-TNFRSF6B (RTEL1-TNFRSF6B readthrough (NMD candidate); plus strand). Cytogenetic location: 20q13.33.
Variant type: single nucleotide variant.
Coding change: c.562G>C on transcript NM_001283009.2 (MANE Select); coding-DNA position 562, G replaced by C.
Protein change: p.Ala188Pro; replaces alanine 188 with proline.
Molecular consequence: missense variant. On other transcripts: non-coding transcript variant (1), 5 prime UTR variant (1).
Genome position (GRCh38, 1-based): chr20:63,666,027, G>C. VCF-style: chr20-63666027-G-C. GRCh37 (hg19) VCF-style: chr20-62297380-G-C.
Other names: c.-108G>C (NM_001283010.1); c.562G>C, p.Ala188Pro (NM_016434.4); c.634G>C, p.Ala212Pro (NM_032957.5); short protein forms A188P, A212P.
Identifiers: ClinVar variation 4863555 (VCV004863555.1).
Genomic context (GRCh38, chr20:63,666,027, plus strand): 5'-CTGAGGGTGTGTGTTTACCCCTGCCTCACACCTGCAGAAAAAAGCCTGGAGCAGGAGCTG[G>C]CCAGCCCCATCCTGGACATTGAGGACTTGGTCAAGAGCGGAAGCAAGCACAGGTGAGACC-3'
Protein context (NP_001269938.1, residues 178-198): VEEKSLEQEL[Ala188Pro]SPILDIEDLV

ClinVar aggregate classification (germline): Uncertain significance (1 of 4 stars; one submission).

Conditions:
Inborn genetic diseases. Identifiers: MedGen C0950123, MeSH D030342.

Submission:

Ambry Genetics
Classification: Uncertain significance for Inborn genetic diseases. Last evaluated: 2026-04-16. Review status: criteria provided, single submitter. Criteria: Ambry Variant Classification Scheme 2023. Collection method: clinical testing. Allele origin: germline.
Comment: The p.A188P variant (also known as c.562G>C), located in coding exon 6 of the RTEL1 gene, results from a G to C substitution at nucleotide position 562. The alanine at codon 188 is replaced by proline, an amino acid with highly similar properties. This amino acid position is conserved. In addition, this alteration is predicted to be tolerated by in silico analysis. Based on the available evidence, the clinical significance of this variant remains unclear.